The following is an entry in ClinVar:

NM_000180.4(GUCY2D):c.3233_3236dup (p.His1079fs)

Gene: GUCY2D (guanylate cyclase 2D, retinal; plus strand). Cytogenetic location: 17p13.1.
Variant type: Duplication.
Coding change: c.3233_3236dup on transcript NM_000180.4 (MANE Select); coding-DNA positions 3233 to 3236, 4 bases duplicated (ACCA; older notation c.3233_3236dupACCA).
Protein change: p.His1079fs; shifts the reading frame from histidine 1079.
Molecular consequence: frameshift variant.
Genome position (GRCh38, 1-based): chr17:8,016,451-8,016,454, ACCA duplicated; duplicating any 4 consecutive bases within chr17:8,016,449-8,016,454 gives the same sequence; the c. name uses the placement nearest the transcript's 3' end. VCF-style (leftmost placement, unchanged base first): chr17-8016448-G-GCAAC. GRCh37 (hg19) VCF-style: chr17-7919766-G-GCAAC.
Other names: short protein forms H1079fs.
Identifiers: ClinVar variation 65572 (VCV000065572.4), dbSNP rs386834239, ClinGen allele CA344901.
Genomic context (GRCh38, chr17:8,016,448, plus strand): 5'-CCTGCCCTCCCACGCCCCATTCCCCTTCCCTGAGGCCACCGCCCCCTCCTTGCAGGTCCA[G>GCAAC]CAACCACGGCATCAGCCTGCAGGAGATCCCACCCGAGCGGCGACGGAAGCTGGAGAAGGC-3'

ClinVar aggregate classification (germline): Pathogenic. Review status: no assertion criteria provided (0 of 4 stars). 2 submissions from 2 submitters: Pathogenic (2). Last evaluated 2013-05-02.

Conditions:
Early-onset retinal dystrophy.
Leber congenital amaurosis 1 (LCA1). Also called: AMAUROSIS CONGENITA OF LEBER I; Congenital absence of the rods and cones; Leber's congenital tapetoretinal degeneration; Leber's congenital tapetoretinal dysplasia; RETINAL BLINDNESS, CONGENITAL. Identifiers: Orphanet 65, MedGen C2931258, MONDO:0008764, OMIM 204000.

Submissions (2):

GeneReviews
Classification: Pathogenic for Leber Congenital Amaurosis. Last evaluated: 2013-05-02. Review status: no assertion criteria provided. Collection method: curation. Allele origin: unknown.
ClinVar note: Converted during submission from pathologic to Pathogenic.

Laboratory of Genetics in Ophthalmology, Institut Imagine
Classification: Pathogenic for early onset retinal dystrophy. Review status: no assertion criteria provided. Collection method: research. Allele origin: inherited. Affected: yes. Observed: 1 variant allele.

Literature cited by the submitters: PubMed 15024725 (cited by Laboratory of Genetics in Ophthalmology, Institut Imagine).